The following is an entry in ClinVar:

ClinVar aggregate classification (germline): Uncertain significance (1 of 4 stars; one submission).

Allele frequency attached by ClinVar (database versions not stated): ExAC 0.00001; gnomAD exomes 0.00001 and 0.00002.
gnomAD v4.1: 9 of 1,614,150 alleles (0.00056%); highest among the groups gnomAD compares: South Asian, 0.0099%; no homozygotes.

Submission:

GeneDx
Classification: Uncertain significance. Last evaluated: 2021-05-28. Review status: criteria provided, single submitter. Criteria: GeneDx Variant Classification Process June 2021. Collection method: clinical testing. Allele origin: germline. Affected: yes.
Comment: In silico analysis supports that this missense variant does not alter protein structure/function; Has not been previously published as pathogenic or benign to our knowledge; This variant is associated with the following publications: (PMID: 27535533)

NM_001378418.1(TCF20):c.1705C>T (p.Pro569Ser)

Gene: TCF20 (transcription factor 20; minus strand). Cytogenetic location: 22q13.2.
Variant type: single nucleotide variant.
Coding change: c.1705C>T on transcript NM_001378418.1 (MANE Select); coding-DNA position 1705, C replaced by T.
Protein change: p.Pro569Ser; replaces proline 569 with serine.
Molecular consequence: missense variant.
Genome position (GRCh38, 1-based): chr22:42,213,601, G>A on the plus strand (C>T on the coding strand, the complement: TCF20 is on the minus strand). VCF-style: chr22-42213601-G-A. GRCh37 (hg19) VCF-style: chr22-42609607-G-A.
Other names: c.1705C>T, p.Pro569Ser (NM_005650.4, NM_181492.3); short protein forms P569S.
Identifiers: ClinVar variation 1326701 (VCV001326701.2), dbSNP rs748165615, ClinGen allele CA10267136.
Genomic context (GRCh38, chr22:42,213,601, plus strand): 5'-TGTCCTTAGCGCCTGGTGAGGTGGCCTCTTCTCTTGCGGCAGGACTAGCATTGAGTCTGG[G>A]GGGTTCATTCTGAGCACCTTGTGCCGGTGAGGAGCCAGCTTTCTCAGAGGCTCCACCCTT-3'
Protein context (NP_001365347.1, residues 559-579): SPAQGAQNEP[Pro569Ser]RLNASPAARE